The following is an entry in ClinVar:

NM_000179.3(MSH6):c.766_767del (p.Glu255_Ser256insTer)

Gene: MSH6 (mutS homolog 6; plus strand). Cytogenetic location: 2p16.3.
Variant type: Microsatellite.
Coding change: c.766_767del on transcript NM_000179.3 (MANE Select); coding-DNA positions 766 to 767, 2 bases deleted (AG; older notation c.766_767delAG).
Protein change: p.Glu255_Ser256insTer.
Molecular consequence: nonsense. On other transcripts: 5 prime UTR variant (2).
Genome position (GRCh38, 1-based): chr2:47,798,749-47,798,750, AG deleted; deleting any 2 consecutive bases within chr2:47,798,746-47,798,750 gives the same sequence; the c. name uses the placement nearest the transcript's 3' end. VCF-style (leftmost placement, unchanged base first): chr2-47798745-TGA-T. GRCh37 (hg19) VCF-style: chr2-48025884-TGA-T.
Other names: c.376_377del, p.Glu125_Ser126insTer (NM_001281492.2); c.-143AG[1] (NM_001281493.2, NM_001281494.2); c.766_767delAG (NM_000179.2).
Identifiers: ClinVar variation 428309 (VCV000428309.17), dbSNP rs1114167704, ClinGen allele CA645369242.
Genomic context (GRCh38, chr2:47,798,745, plus strand): 5'-GACACAAGGATCTAGGCGAAGTAGCCGCCAAATAAAAAAACGAAGGGTCATATCAGATTC[TGA>T]GAGTGACATTGGTGGCTCTGATGTGGAATTTAAGCCAGACACTAAGGAGGAAGGAAGCAG-3'

ClinVar aggregate classification (germline): Pathogenic/Likely pathogenic. Review status: criteria provided, multiple submitters, no conflicts (2 of 4 stars). 4 submissions from 4 submitters: Pathogenic (3); Likely pathogenic (1). Last evaluated 2023-09-04.

Conditions:
Hereditary cancer-predisposing syndrome. Also called: Hereditary Cancer Syndrome; Neoplastic Syndromes, Hereditary; Hereditary neoplastic syndrome; Tumor predisposition. Identifiers: Orphanet 140162, MedGen C0027672, MeSH D009386, MONDO:0015356.
Hereditary nonpolyposis colorectal neoplasms. Identifiers: MedGen C0009405, MeSH D003123.
Lynch syndrome 5 (LYNCH5). Also called: Hereditary non-polyposis colorectal cancer, type 5; Colorectal cancer, hereditary nonpolyposis, type 5. Identifiers: Orphanet 144, MedGen C1833477, MONDO:0013710, OMIM 614350. Disease mechanism: loss of function.
Endometrial carcinoma. Also called: Endometrial carcinoma, somatic. Identifiers: MedGen C0476089, MONDO:0002447, OMIM 608089, HP:0012114.

Submissions (4):

Labcorp Genetics (formerly Invitae), Labcorp
Classification: Pathogenic for Hereditary nonpolyposis colorectal neoplasms. Last evaluated: 2023-09-04. Review status: criteria provided, single submitter. Criteria: Invitae Variant Classification Sherloc (09022015). Collection method: clinical testing. Allele origin: germline.
Comment: This variant has not been reported in the literature in individuals affected with MSH6-related conditions. This variant is not present in population databases (gnomAD no frequency). This sequence change creates a premature translational stop signal (p.Ser256*) in the MSH6 gene. It is expected to result in an absent or disrupted protein product. Loss-of-function variants in MSH6 are known to be pathogenic (PMID: 18269114, 24362816). For these reasons, this variant has been classified as Pathogenic. ClinVar contains an entry for this variant (Variation ID: 428309).

Myriad Genetics, Inc.
Classification: Pathogenic for Lynch syndrome 5. Last evaluated: 2023-08-10. Review status: criteria provided, single submitter. Criteria: Myriad Autosomal Dominant, Autosomal Recessive and X-Linked Classification Criteria (2023). Collection method: clinical testing. Allele origin: unknown.
Comment: This variant is considered pathogenic. This variant creates a termination codon and is predicted to result in premature protein truncation.

Ambry Genetics
Classification: Pathogenic for Hereditary cancer-predisposing syndrome. Last evaluated: 2023-01-23. Review status: criteria provided, single submitter. Criteria: Ambry Variant Classification Scheme 2023. Collection method: clinical testing. Allele origin: germline.
Comment: The c.766_767delAG pathogenic mutation, located in coding exon 4 of the MSH6 gene, results from a deletion of two nucleotides at nucleotide positions 766 to 767, causing a translational frameshift with a predicted alternate stop codon (p.S256*). This variant is considered to be rare based on population cohorts in the Genome Aggregation Database (gnomAD). This alteration is expected to result in loss of function by premature protein truncation or nonsense-mediated mRNA decay. As such, this alteration is interpreted as a disease-causing mutation.

Baylor Genetics
Classification: Likely pathogenic for Endometrial carcinoma. Last evaluated: 2022-09-14. Review status: criteria provided, single submitter. Criteria: ACMG Guidelines, 2015. Collection method: clinical testing. Allele origin: unknown.

Literature cited by the submitters: PubMed 18269114 (cited by Labcorp Genetics (formerly Invitae), Labcorp); PubMed 24362816 (cited by Labcorp Genetics (formerly Invitae), Labcorp).